The following is an entry in ClinVar:

NM_001365536.1(SCN9A):c.1993C>T (p.His665Tyr)

Genes: SCN1A-AS1 (SCN1A and SCN9A antisense RNA 1; plus strand), SCN9A (sodium voltage-gated channel alpha subunit 9; minus strand). Cytogenetic location: 2q24.3.
Variant type: single nucleotide variant.
Coding change: c.1993C>T on transcript NM_001365536.1 (MANE Select); coding-DNA position 1993, C replaced by T.
Protein change: p.His665Tyr; replaces histidine 665 with tyrosine.
Molecular consequence: missense variant.
Genome position (GRCh38, 1-based): chr2:166,281,790, G>A on the plus strand (C>T on the coding strand, the complement: SCN9A is on the minus strand). VCF-style: chr2-166281790-G-A. GRCh37 (hg19) VCF-style: chr2-167138300-G-A.
Other names: c.1960C>T, p.His654Tyr (NM_002977.4); short protein forms H654Y, H665Y.
Identifiers: ClinVar variation 944201 (VCV000944201.10), dbSNP rs375720286, ClinGen allele CA349081342.
Genomic context (GRCh38, chr2:166,281,790, plus strand): 5'-GGTTGGGATCATTCAGCATATCCTCTGAAAGGAGATAGGAACTACAACGCCTTTTCTTGT[G>A]TATTTGATTGGTCGTGCCCTAAAAAAAAAATCAATTAATGTCTTAAGAACAGAATCCTAA-3'
Protein context (NP_001352465.1, residues 655-675): SDDSGTTNQI[His665Tyr]KKRRCSSYLL

ClinVar aggregate classification (germline): Uncertain significance (1 of 4 stars; one submission).

Conditions:
Neuropathy, hereditary sensory and autonomic, type 2A (HSAN2A). Also called: HSAN IIA; MORVAN DISEASE; NEUROPATHY, CONGENITAL SENSORY; NEUROPATHY, HEREDITARY SENSORY RADICULAR, AUTOSOMAL RECESSIVE; NEUROPATHY, HEREDITARY SENSORY, TYPE IIA; NEUROPATHY, PROGRESSIVE SENSORY, OF CHILDREN. Identifiers: Orphanet 970, MedGen C2752089, MONDO:0024309, OMIM 201300.
Generalized epilepsy with febrile seizures plus, type 7 (GEFSP7). Also called: GEFS+, TYPE 7. Identifiers: Orphanet 36387, MedGen C2751778, MONDO:0013470, OMIM 613863.

gnomAD v4.1: 1 of 1,611,448 alleles (0.000062%); highest among the groups gnomAD compares: African/African-American, 0.0013%; no homozygotes.

Submission:

Labcorp Genetics (formerly Invitae), Labcorp
Classification: Uncertain significance for Neuropathy, hereditary sensory and autonomic, type 2A; Generalized epilepsy with febrile seizures plus, type 7. Last evaluated: 2019-05-03. Review status: criteria provided, single submitter. Criteria: Invitae Variant Classification Sherloc (09022015). Collection method: clinical testing. Allele origin: germline.
Comment: Algorithms developed to predict the effect of missense changes on protein structure and function output the following: SIFT: "Tolerated"; PolyPhen-2: "Benign"; Align-GVGD: "Class C0". The tyrosine amino acid residue is found in multiple mammalian species, suggesting that this missense change does not adversely affect protein function. These predictions have not been confirmed by published functional studies and their clinical significance is uncertain. This variant has not been reported in the literature in individuals with SCN9A-related conditions. This variant is not present in population databases (ExAC no frequency). This sequence change replaces histidine with tyrosine at codon 654 of the SCN9A protein (p.His654Tyr). The histidine residue is weakly conserved and there is a moderate physicochemical difference between histidine and tyrosine. In summary, the available evidence is currently insufficient to determine the role of this variant in disease. Therefore, it has been classified as a Variant of Uncertain Significance.